The following is an entry in ClinVar:

ClinVar aggregate classification (germline): Uncertain significance. Review status: criteria provided, multiple submitters, no conflicts (2 of 4 stars). 2 submissions from 2 submitters: Uncertain significance (2). Last evaluated 2025-02-11.

Allele frequency attached by ClinVar (database versions not stated): gnomAD 0.00001; gnomAD exomes below 0.00001.
gnomAD v4.1: 2 of 1,585,068 alleles (0.00013%); highest among the groups gnomAD compares: Admixed American, 0.0035%; no homozygotes.

Submissions (2):

Labcorp Genetics (formerly Invitae), Labcorp
Classification: Uncertain significance. Last evaluated: 2025-02-11. Review status: criteria provided, single submitter. Criteria: Invitae Variant Classification Sherloc (09022015). Collection method: clinical testing. Allele origin: germline.
Comment: This sequence change replaces leucine, which is neutral and non-polar, with valine, which is neutral and non-polar, at codon 426 of the MKL1 protein (p.Leu426Val). This variant is not present in population databases (gnomAD no frequency). This variant has not been reported in the literature in individuals affected with MKL1-related conditions. ClinVar contains an entry for this variant (Variation ID: 3209937). An algorithm developed to predict the effect of missense changes on protein structure and function (PolyPhen-2) suggests that this variant is likely to be tolerated. In summary, the available evidence is currently insufficient to determine the role of this variant in disease. Therefore, it has been classified as a Variant of Uncertain Significance.

Ambry Genetics
Classification: Uncertain significance. Last evaluated: 2021-09-21. Review status: criteria provided, single submitter. Criteria: Ambry Variant Classification Scheme 2023. Collection method: clinical testing. Allele origin: germline.

NM_020831.6(MRTFA):c.1576C>G (p.Leu526Val)

Gene: MRTFA (myocardin related transcription factor A; minus strand). Cytogenetic location: 22q13.1.
Variant type: single nucleotide variant.
Coding change: c.1576C>G on transcript NM_020831.6 (MANE Select); coding-DNA position 1576, C replaced by G.
Protein change: p.Leu526Val; replaces leucine 526 with valine.
Molecular consequence: missense variant.
Genome position (GRCh38, 1-based): chr22:40,419,162, G>C on the plus strand (C>G on the coding strand, the complement: MRTFA is on the minus strand). VCF-style: chr22-40419162-G-C. GRCh37 (hg19) VCF-style: chr22-40815166-G-C.
Other names: c.1276C>G, p.Leu426Val (NM_001282660.2); c.1426C>G, p.Leu476Val (NM_001282661.3); c.1576C>G, p.Leu526Val (NM_001282662.3); c.1381C>G, p.Leu461Val (NM_001318139.2); short protein forms L526V, L461V, L426V, L476V.
Identifiers: ClinVar variation 3209937 (VCV003209937.3), dbSNP rs2052768818, ClinGen allele CA411661856.
Genomic context (GRCh38, chr22:40,419,162, plus strand): 5'-TGCCAAACTTCACCACCCCACTGCTGGCCACCGTGGCCACCACCACCTCAGCTGGAGCCA[G>C]GCCTGCTGCCACCAGGGCTGGCCCCGTGCTCAGCCGGGCCGCTGGGAAGGCTACCACCAC-3'
Protein context (NP_065882.2, residues 516-536): STGPALVAAG[Leu526Val]APAEVVVATV